The following is an entry in ClinVar:

ClinVar aggregate classification (germline): Likely pathogenic (1 of 4 stars; one submission).

Submission:

GeneDx
Classification: Likely pathogenic. Last evaluated: 2025-09-21. Review status: criteria provided, single submitter. Criteria: GeneDx Variant Classification Process June 2021. Collection method: clinical testing. Allele origin: germline.
Comment: Not observed at significant frequency in large population cohorts (gnomAD); In silico analysis suggests that this missense variant does not alter protein structure/function; Has not been previously published as pathogenic or benign to our knowledge

NM_031263.4(HNRNPK):c.112A>G (p.Asn38Asp)

Gene: HNRNPK (heterogeneous nuclear ribonucleoprotein K; minus strand). Cytogenetic location: 9q21.32.
Variant type: single nucleotide variant.
Coding change: c.112A>G on transcript NM_031263.4 (MANE Select); coding-DNA position 112, A replaced by G.
Protein change: p.Asn38Asp; replaces asparagine 38 with aspartic acid.
Molecular consequence: missense variant.
Genome position (GRCh38, 1-based): chr9:83,977,733, T>C on the plus strand (A>G on the coding strand, the complement: HNRNPK is on the minus strand). VCF-style: chr9-83977733-T-C. GRCh37 (hg19) VCF-style: chr9-86592648-T-C.
Other names: c.112A>G, p.Asn38Asp (NM_001318186.2, NM_001318187.2, NM_001318188.2 and 2 more transcripts); short protein forms N38D.
Identifiers: ClinVar variation 3364640 (VCV003364640.2).
Genomic context (GRCh38, chr9:83,977,733, plus strand): 5'-AGAATAAAATTTATACCTTGCTCTGAAGCAGAATGCGTAATTCAACCATCTCATCAGTGT[T>C]TCTAGATCTTTTAAATGCTTGTTCCTCTTCCATATCTTCTGCAGGGCGTTTACCTAAAAA-3'
Protein context (NP_112553.1, residues 28-48): EEEQAFKRSR[Asn38Asp]TDEMVELRIL